The following is an entry in ClinVar:

NM_004588.5(SCN2B):c.338T>C (p.Met113Thr)

Gene: SCN2B (sodium voltage-gated channel beta subunit 2; minus strand). Cytogenetic location: 11q23.3.
Variant type: single nucleotide variant.
Coding change: c.338T>C on transcript NM_004588.5 (MANE Select); coding-DNA position 338, T replaced by C.
Protein change: p.Met113Thr; replaces methionine 113 with threonine.
Molecular consequence: missense variant.
Genome position (GRCh38, 1-based): chr11:118,168,195, A>G on the plus strand (T>C on the coding strand, the complement: SCN2B is on the minus strand). VCF-style: chr11-118168195-A-G. GRCh37 (hg19) VCF-style: chr11-118038910-A-G.
Other names: short protein forms M113T.
Identifiers: ClinVar variation 1730893 (VCV001730893.7), dbSNP rs367981116, ClinGen allele CA6300480.

ClinVar aggregate classification (germline): Conflicting classifications of pathogenicity. Review status: criteria provided, conflicting classifications (1 of 4 stars). 2 submissions from 2 submitters: Uncertain significance (1); Likely benign (1). Last evaluated 2025-10-29.

Conditions:
Cardiovascular phenotype. Identifiers: MedGen CN230736.
Atrial fibrillation, familial, 14 (ATFB14). Identifiers: MedGen C3809312, MONDO:0014156, OMIM 615378.

Allele frequency attached by ClinVar (database versions not stated): gnomAD exomes below 0.00001; ExAC 0.00001; gnomAD 0.00001; TOPMed 0.00004; ESP Exome Variant Server 0.00008.

Submissions (2):

Labcorp Genetics (formerly Invitae), Labcorp
Classification: Uncertain significance for Atrial fibrillation, familial, 14. Last evaluated: 2025-10-29. Review status: criteria provided, single submitter. Criteria: Invitae Variant Classification Sherloc (09022015). Collection method: clinical testing. Allele origin: germline.
Comment: This sequence change replaces methionine, which is neutral and non-polar, with threonine, which is neutral and polar, at codon 113 of the SCN2B protein (p.Met113Thr). This variant is present in population databases (rs367981116, gnomAD 0.007%). This variant has not been reported in the literature in individuals affected with SCN2B-related conditions. ClinVar contains an entry for this variant (Variation ID: 1730893). An algorithm developed to predict the effect of missense changes on protein structure and function outputs the following: PolyPhen-2: "Benign". The threonine amino acid residue is found in multiple mammalian species, which suggests that this missense change does not adversely affect protein function. In summary, the available evidence is currently insufficient to determine the role of this variant in disease. Therefore, it has been classified as a Variant of Uncertain Significance.

Ambry Genetics
Classification: Likely benign for Cardiovascular phenotype. Last evaluated: 2022-10-14. Review status: criteria provided, single submitter. Criteria: Ambry Variant Classification Scheme 2023. Collection method: clinical testing. Allele origin: germline.